The following is an entry in ClinVar:

ClinVar aggregate classification (germline): Benign (0 of 4 stars; one submission).

Conditions:
PDIA3-related disorder. Also called: PDIA3-related condition.

Allele frequency attached by ClinVar (database versions not stated): ESP Exome Variant Server 0.00323; TOPMed 0.00441; gnomAD exomes 0.00619; gnomAD 0.00698; ExAC 0.00961; 1000 Genomes Project 30x 0.01062; 1000 Genomes Project 0.01218.

Submission:

PreventionGenetics, part of Exact Sciences
Classification: Benign for PDIA3-related condition. Last evaluated: 2019-03-29. Review status: no assertion criteria provided. Collection method: clinical testing. Allele origin: germline.
Comment: This variant is classified as benign based on ACMG/AMP sequence variant interpretation guidelines (Richards et al. 2015 PMID: 25741868, with internal and published modifications).

NM_005313.5(PDIA3):c.1458C>T (p.Asn486=)

Gene: PDIA3 (protein disulfide isomerase family A member 3; plus strand). Cytogenetic location: 15q15.3.
Variant type: single nucleotide variant.
Coding change: c.1458C>T on transcript NM_005313.5 (MANE Select); coding-DNA position 1458, C replaced by T.
Protein change: p.Asn486=; no amino-acid change (asparagine 486 retained).
Molecular consequence: synonymous variant.
Genome position (GRCh38, 1-based): chr15:43,771,158, C>T. VCF-style: chr15-43771158-C-T. GRCh37 (hg19) VCF-style: chr15-44063356-C-T.
Identifiers: ClinVar variation 3060881 (VCV003060881.2), dbSNP rs3759789, ClinGen allele CA7529933.
Genomic context (GRCh38, chr15:43,771,158, plus strand): 5'-TTTTCAGGGTGGCCGTGAATTAAGTGATTTTATTAGCTATCTACAAAGAGAAGCTACAAA[C>T]CCCCCTGTAATTCAAGAAGAAAAACCCAAGAAGAAGAAGAAGGCACAGGAGGATCTCTAA-3'
Protein context (NP_005304.3, residues 476-496): FISYLQREAT[Asn486=]PPVIQEEKPK